The following is an entry in ClinVar:

ClinVar aggregate classification (germline): Pathogenic. Review status: reviewed by expert panel (3 of 4 stars). 2 submissions from 2 submitters: Pathogenic (1). 1 of the submissions does not count toward it. Last evaluated 2016-09-08.

Conditions:
Breast-ovarian cancer, familial, susceptibility to, 1 (BROVCA1). Also called: BRCA1 Hereditary Breast and Ovarian Cancer; OVARIAN CANCER, SUSCEPTIBILITY TO. Identifiers: Orphanet 145, MedGen C2676676, MONDO:0011450, OMIM 604370. Disease mechanism: loss of function.
Hereditary breast ovarian cancer syndrome. Also called: Breast and ovarian cancer; Hereditary breast and ovarian cancer; Hereditary breast and ovarian cancer syndrome; Hereditary breast and/or ovarian cancer syndrome; BRCA1- and BRCA2-Associated Hereditary Breast and Ovarian Cancer; Hereditary breast and ovarian cancer syndrome (HBOC). Identifiers: Orphanet 145, MedGen C0677776, MeSH D061325, MONDO:0003582. Disease mechanism: loss of function.

Submissions (2):

Evidence-based Network for the Interpretation of Germline Mutant Alleles (ENIGMA)
Classification: Pathogenic for Breast-ovarian cancer, familial, susceptibility to, 1. Last evaluated: 2016-09-08. Review status: reviewed by expert panel. Criteria: ENIGMA BRCA1/2 Classification Criteria (2015). Collection method: curation. Allele origin: germline.
Comment: Variant allele predicted to encode a truncated non-functional protein.

Labcorp Genetics (formerly Invitae), Labcorp
Classification: Pathogenic for Hereditary breast ovarian cancer syndrome. Last evaluated: 2020-11-10. Review status: criteria provided, single submitter. Criteria: Invitae Variant Classification Sherloc (09022015). Collection method: clinical testing. Allele origin: germline. Not counted in ClinVar's aggregate classification.
Comment: This sequence change inserts 1 nucleotide in exon 7 of the BRCA1 mRNA (c.531dupT), causing a frameshift at codon 178. This creates a premature translational stop signal (p.Val178Cysfs*4) and is expected to result in an absent or disrupted protein product. While this particular variant has not been reported in the literature, truncating variants in BRCA1 are known to be pathogenic (PMID: 20104584). For these reasons, this variant has been classified as Pathogenic.

Literature cited by the submitters: PubMed 20104584 (cited by Labcorp Genetics (formerly Invitae), Labcorp).

NM_007294.4(BRCA1):c.531dup (p.Val178fs)

Gene: BRCA1 (BRCA1 DNA repair associated; minus strand). Cytogenetic location: 17q21.31.
Variant type: Duplication.
Coding change: c.531dup on transcript NM_007294.4 (MANE Select); coding-DNA position 531, one base duplicated (T; older notation c.531dupT).
Protein change: p.Val178fs; shifts the reading frame from valine 178.
Molecular consequence: frameshift variant. On other transcripts: non-coding transcript variant (1).
Genome position (GRCh38, 1-based): chr17:43,099,791, A duplicated on the plus strand (T on the coding strand, the reverse complement: BRCA1 is on the minus strand). VCF-style (leftmost placement, unchanged base first): chr17-43099790-C-CA. GRCh37 (hg19) VCF-style: chr17-41251807-C-CA.
Other names: c.531dupT (NM_007294.3); c.390dup, p.Val131Cysfs (NM_001407726.1, NM_001407727.1, NM_001407728.1 and 60 more transcripts); c.387dup, p.Val130Cysfs (NM_001407740.1, NM_001407741.1, NM_001407742.1 and 35 more transcripts); c.318dup, p.Val107Cysfs (NM_001407853.1, NM_001407894.1, NM_001407895.1 and 18 more transcripts); c.531dup, p.Val178Cysfs (NM_001407854.1, NM_001407858.1, NM_001407859.1 and 95 more transcripts); c.528dup, p.Val177Cysfs (NM_001407860.1, NM_001407861.1, NM_001407940.1 and 65 more transcripts); c.453dup, p.Val152Cysfs (NM_001407862.1, NM_001408409.1, NM_001408411.1 and 12 more transcripts); c.450dup, p.Val151Cysfs (NM_001407874.1, NM_001407875.1, NM_001408413.1 and 6 more transcripts); and 7 more; short protein forms V131fs, V178fs.
Identifiers: ClinVar variation 220026 (VCV000220026.11), dbSNP rs864622350, ClinGen allele CA348159.